The following is an entry in ClinVar:

ClinVar aggregate classification (germline): Likely benign (1 of 4 stars; one submission).

Allele frequency attached by ClinVar (database versions not stated): gnomAD 0.00020.

Submission:

CeGaT Center for Human Genetics Tuebingen
Classification: Likely benign. Last evaluated: 2026-01-01. Review status: criteria provided, single submitter. Criteria: CeGaT Center For Human Genetics Tuebingen Variant Classification Criteria Version 2. Collection method: clinical testing. Allele origin: germline. Affected: yes. Observed: 7 variant alleles.
Comment: SOX4: BP4, BP7

NM_003107.3(SOX4):c.582G>T (p.Ala194=)

Gene: SOX4 (SRY-box transcription factor 4; plus strand). Cytogenetic location: 6p22.3.
Variant type: single nucleotide variant.
Coding change: c.582G>T on transcript NM_003107.3 (MANE Select); coding-DNA position 582, G replaced by T.
Protein change: p.Ala194=; no amino-acid change (alanine 194 retained).
Molecular consequence: synonymous variant.
Genome position (GRCh38, 1-based): chr6:21,595,116, G>T. VCF-style: chr6-21595116-G-T. GRCh37 (hg19) VCF-style: chr6-21595347-G-T.
Identifiers: ClinVar variation 2656271 (VCV002656271.24), dbSNP rs757238165, ClinGen allele CA3653618.